The following is an entry in ClinVar:

ClinVar aggregate classification (germline): Conflicting classifications of pathogenicity. Review status: criteria provided, conflicting classifications (1 of 4 stars). 4 submissions from 4 submitters: Uncertain significance (2); Likely benign (2). Last evaluated 2024-03-17.

Conditions:
Autism spectrum disorder due to AUTS2 deficiency (MRD26). Also called: INTELLECTUAL DEVELOPMENTAL DISORDER, AUTOSOMAL DOMINANT 26. Identifiers: Orphanet 352490, MedGen C4014435, MONDO:0014361, OMIM 615834.

Submissions (4):

Labcorp Genetics (formerly Invitae), Labcorp
Classification: Uncertain significance. Last evaluated: 2024-03-17. Review status: criteria provided, single submitter. Criteria: Invitae Variant Classification Sherloc (09022015). Collection method: clinical testing. Allele origin: germline.
Comment: This variant, c.3395_3400del, results in the deletion of 2 amino acid(s) of the AUTS2 protein (p.His1132_His1133del), but otherwise preserves the integrity of the reading frame. The frequency data for this variant in the population databases is considered unreliable, as metrics indicate poor data quality at this position in the gnomAD database. This variant has not been reported in the literature in individuals affected with AUTS2-related conditions. Experimental studies and prediction algorithms are not available or were not evaluated, and the functional significance of this variant is currently unknown. In summary, the available evidence is currently insufficient to determine the role of this variant in disease. Therefore, it has been classified as a Variant of Uncertain Significance.

Fulgent Genetics
Classification: Uncertain significance for Autism spectrum disorder due to AUTS2 deficiency. Last evaluated: 2024-01-17. Review status: criteria provided, single submitter. Criteria: ACMG Guidelines, 2015. Collection method: clinical testing. Allele origin: germline.

CeGaT Center for Human Genetics Tuebingen
Classification: Likely benign. Last evaluated: 2023-11-01. Review status: criteria provided, single submitter. Criteria: CeGaT Center For Human Genetics Tuebingen Variant Classification Criteria Version 2. Collection method: clinical testing. Allele origin: germline. Affected: yes. Observed: 1 variant allele.
Comment: AUTS2: BS2

GeneDx
Classification: Likely benign. Last evaluated: 2021-04-14. Review status: criteria provided, single submitter. Criteria: GeneDx Variant Classification Process June 2021. Collection method: clinical testing. Allele origin: germline. Affected: yes.

NM_015570.4(AUTS2):c.3377ACC[6] (p.His1132_His1133del)

Gene: AUTS2 (activator of transcription and developmental regulator AUTS2; plus strand). Cytogenetic location: 7q11.22.
Variant type: Microsatellite.
Coding change: c.3377ACC[6] on transcript NM_015570.4 (MANE Select); six copies in a row of the 3-base unit ACC starting at c.3377; the reference has eight copies in a row; two copies, 6 bases deleted; also written c.3395_3400del.
Protein change: p.His1132_His1133del.
Molecular consequence: inframe deletion.
Genome position (GRCh38, 1-based): chr7:70,790,611-70,790,616, ACCACC deleted; deleting any 6 consecutive bases within chr7:70,790,591-70,790,616 gives the same sequence; the position shown is the placement nearest the transcript's 3' end. VCF-style (leftmost placement, unchanged base first): chr7-70790590-GCCACCA-G. GRCh37 (hg19) VCF-style: chr7-70255576-GCCACCA-G.
Other names: c.3305ACC[6], p.His1108_His1109del (NM_001127231.3); c.3395_3400del (NM_015570.4).
Identifiers: ClinVar variation 1300716 (VCV001300716.30), dbSNP rs538005366, ClinGen allele CA4281318.
Genomic context (GRCh38, chr7:70,790,590, plus strand): 5'-CGACTCCCCGGCTGTACGAAGCCGACCGCTCCTTCAGGGACCGGGAGCCTCACGACTACA[GCCACCA>G]CCACCACCACCACCACCACCCGCTGTCTGTGGACCCTCGGCGGGAGCACGAGCGGGGAGG-3'